The following is an entry in ClinVar:

ClinVar aggregate classification (germline): Uncertain significance (1 of 4 stars; one submission).
ClinVar aggregate classification (somatic clinical impact): Tier II - Potential (1 of 4 stars; one submission).

Conditions:
Hereditary cancer-predisposing syndrome. Also called: Hereditary Cancer Syndrome; Neoplastic Syndromes, Hereditary; Hereditary neoplastic syndrome; Tumor predisposition. Identifiers: Orphanet 140162, MedGen C0027672, MeSH D009386, MONDO:0015356.
Rosette-forming glioneuronal tumor. Identifiers: Orphanet 251975, MedGen C4331262, MONDO:0016736, HP:0025171.

Submissions (2):

Institute for Genomic Medicine (IGM) Clinical Laboratory, Nationwide Children's Hospital
Classification: Tier II - Potential for Rosette-forming glioneuronal tumor. Assertion type: diagnostic. Clinical significance: supports diagnosis. Last evaluated: 2025-02-28. Review status: criteria provided, single submitter. Criteria: AMP/ASCO/CAP Guidelines, 2017. Collection method: clinical testing. Allele origin: somatic. Affected: yes.
Comment: Variant has Tier II (potential) clinical significance as a diagnostic inclusion criterion in rosette-forming glioneuronal tumor of fourth ventricule, based on the following evidence: 1) Appears in one or more well-established professional guidelines (e.g., World Health Organization [WHO]; National Comprehensive Cancer Network [NCCN]) as providing diagnostic, prognostic, or therapeutic information. 2) Diagnostic significance based on multiple small studies (Evidence Level C; PMIDs: 31250151, 32859279, 35293634).

Ambry Genetics
Classification: Uncertain significance for Hereditary cancer-predisposing syndrome. Last evaluated: 2015-08-13. Review status: criteria provided, single submitter. Criteria: Ambry Autosomal Dominant and X-Linked criteria (10/2015). Collection method: clinical testing. Allele origin: germline. Observed: 1 variant allele.
Comment: The p.F1884V variant (also known as c.5650T>G,p.F1863V, andc.5587T>G), located in coding exon 39 of the NF1 gene, results from a T to G substitution at nucleotide position 5650. The phenylalanine at codon 1884 is replaced by valine, an amino acid with highly similar properties. This variant was not reported in population based cohorts in the following databases: Database of Single Nucleotide Polymorphisms (dbSNP), NHLBI Exome Sequencing Project (ESP), and 1000 Genomes Project. In the ESP, this variant was not observed in 6503 samples (13006 alleles) with coverage at this position. To date, this alteration has been detected with an allele frequency of approximately 0.002% (greater than 55000alleles tested) in our clinical cohort.This amino acid position is highly conserved in available vertebrate species. In addition, this alteration is predicted to be deleterious by in silico analysis.Since supporting evidence is limited at this time, the clinical significance of p.F1884Vremains unclear.

Literature cited by the submitters: PubMed 31250151 (cited by Institute for Genomic Medicine (IGM) Clinical Laboratory, Nationwide Children's Hospital); PubMed 32859279 (cited by Institute for Genomic Medicine (IGM) Clinical Laboratory, Nationwide Children's Hospital); PubMed 35293634 (cited by Institute for Genomic Medicine (IGM) Clinical Laboratory, Nationwide Children's Hospital).

NM_001042492.3(NF1):c.5650T>G (p.Phe1884Val)

Gene: NF1 (neurofibromin 1; plus strand). Cytogenetic location: 17q11.2.
Variant type: single nucleotide variant.
Coding change: c.5650T>G on transcript NM_001042492.3 (MANE Select); coding-DNA position 5650, T replaced by G.
Protein change: p.Phe1884Val; replaces phenylalanine 1884 with valine.
Molecular consequence: missense variant.
Genome position (GRCh38, 1-based): chr17:31,330,336, T>G. VCF-style: chr17-31330336-T-G. GRCh37 (hg19) VCF-style: chr17-29657354-T-G.
Other names: c.5587T>G, p.Phe1863Val (NM_000267.4); short protein forms F1863V, F1884V.
Identifiers: ClinVar variation 428970 (VCV000428970.4), dbSNP rs1060500378, ClinGen allele CA399010172.